The following is an entry in ClinVar:

ClinVar aggregate classification (germline): Pathogenic. Review status: criteria provided, multiple submitters, no conflicts (2 of 4 stars). 2 submissions from 2 submitters: Pathogenic (2). Last evaluated 2023-12-28.

Conditions:
X-linked agammaglobulinemia with growth hormone deficiency (IGHD3). Also called: AGAMMAGLOBULINEMIA AND ISOLATED GROWTH HORMONE DEFICIENCY, X-LINKED; FLEISHER SYNDROME; HYPOGAMMAGLOBULINEMIA AND ISOLATED GROWTH HORMONE DEFICIENCY, X-LINKED; IGHD III; ISOLATED GROWTH HORMONE DEFICIENCY, TYPE III, WITH AGAMMAGLOBULINEMIA; Isolated growth hormone deficiency type 3. Identifiers: Orphanet 231692, Orphanet 631, MedGen C0472813, MONDO:0010615, OMIM 307200.
X-linked agammaglobulinemia (XLA). Also called: Bruton's agammaglobulinemia; AGAMMAGLOBULINEMIA, X-LINKED, TYPE 1; IMMUNODEFICIENCY 1; Bruton-type agammaglobulinemia; Agammaglobulinemia, Bruton tyrosine kinase; Agammaglobulinemia, BTK. Identifiers: Orphanet 229717, Orphanet 47, MedGen C0221026, MONDO:0010421, OMIM 300755.

Submissions (2):

Labcorp Genetics (formerly Invitae), Labcorp
Classification: Pathogenic for X-linked agammaglobulinemia with growth hormone deficiency. Last evaluated: 2023-12-28. Review status: criteria provided, single submitter. Criteria: Invitae Variant Classification Sherloc (09022015). Collection method: clinical testing. Allele origin: germline.
Comment: This sequence change creates a premature translational stop signal (p.Val219Leufs*10) in the BTK gene. It is expected to result in an absent or disrupted protein product. Loss-of-function variants in BTK are known to be pathogenic (PMID: 15661032, 16862044, 19419768). This variant is not present in population databases (gnomAD no frequency). This premature translational stop signal has been observed in individual(s) with X-linked agammaglobulinemia (PMID: 10887125, 33042921, 34975878). This variant is also known as deletion of G787, c.757del (p.Val253Leufs*10). ClinVar contains an entry for this variant (Variation ID: 632731). For these reasons, this variant has been classified as Pathogenic.

Women's Health and Genetics/Laboratory Corporation of America, LabCorp
Classification: Pathogenic for X-linked agammaglobulinemia. Last evaluated: 2017-12-13. Review status: criteria provided, single submitter. Criteria: LabCorp Variant Classification Summary - May 2015. Collection method: clinical testing. Allele origin: germline.
Comment: Variant summary: The BTK c.655delG (p.Val219LeufsX10) variant results in a premature termination codon, predicted to cause a truncated or absent BTK protein due to nonsense mediated decay, which are commonly known mechanisms for disease. Truncations downstream of this position have been classified as pathogenic by our laboratory (e.g., p.Asp239fsX38 and p.Gln260X). One in silico tool predicts a damaging outcome for this variant. This variant is absent in 178855 control chromosomes, but has been identified in several male patients with X-linked agammaglobulinemia and severely reduced BTK expression in B-cell lineages. Taken together, this variant is classified as pathogenic.

Literature cited by the submitters: PubMed 15661032 (cited by Labcorp Genetics (formerly Invitae), Labcorp); PubMed 16862044 (cited by Labcorp Genetics (formerly Invitae), Labcorp); PubMed 19419768 (cited by Labcorp Genetics (formerly Invitae), Labcorp); PubMed 10887125 (cited by Labcorp Genetics (formerly Invitae), Labcorp and Women's Health and Genetics/Laboratory Corporation of America, LabCorp); PubMed 33042921 (cited by Labcorp Genetics (formerly Invitae), Labcorp); PubMed 34975878 (cited by Labcorp Genetics (formerly Invitae), Labcorp); PubMed 21397315 (cited by Women's Health and Genetics/Laboratory Corporation of America, LabCorp); PubMed 19904586 (cited by Women's Health and Genetics/Laboratory Corporation of America, LabCorp); PubMed 16712653 (cited by Women's Health and Genetics/Laboratory Corporation of America, LabCorp); PubMed 16160918 (cited by Women's Health and Genetics/Laboratory Corporation of America, LabCorp).

NM_000061.3(BTK):c.655del (p.Val219fs)

Gene: BTK (Bruton tyrosine kinase; minus strand). Cytogenetic location: Xq22.1.
Variant type: Deletion.
Coding change: c.655del on transcript NM_000061.3 (MANE Select); coding-DNA position 655, one base deleted (G; older notation c.655delG).
Protein change: p.Val219fs; shifts the reading frame from valine 219.
Molecular consequence: frameshift variant.
Genome position (GRCh38, 1-based): chrX:101,360,689, C deleted on the plus strand (G on the coding strand, the reverse complement: BTK is on the minus strand); the first of 2 consecutive C bases (chrX:101,360,689-101,360,690); deleting either gives the same sequence. VCF-style (leftmost placement, unchanged base first): chrX-101360688-AC-A. GRCh37 (hg19) VCF-style: chrX-100615676-AC-A.
Other names: c.655delG (NM_000061.2); c.757del, p.Val253fs (NM_001287344.2); c.655del, p.Val219fs (NM_001287345.2); short protein forms V219fs, V253fs.
Identifiers: ClinVar variation 632731 (VCV000632731.4), dbSNP rs1569292810, ClinGen allele CA913190969.